The following is an entry in ClinVar:

NM_212482.4(FN1):c.4738A>G (p.Ser1580Gly)

Gene: FN1 (fibronectin 1; minus strand). Cytogenetic location: 2q35.
Variant type: single nucleotide variant.
Coding change: c.4738A>G on transcript NM_212482.4 (MANE Select); coding-DNA position 4738, A replaced by G.
Protein change: p.Ser1580Gly; replaces serine 1580 with glycine.
Molecular consequence: missense variant.
Genome position (GRCh38, 1-based): chr2:215,384,176, T>C on the plus strand (A>G on the coding strand, the complement: FN1 is on the minus strand). VCF-style: chr2-215384176-T-C. GRCh37 (hg19) VCF-style: chr2-216248899-T-C.
Other names: c.4738A>G, p.Ser1580Gly (NM_001306129.2, NM_001306130.2, NM_001365517.2 and 3 more transcripts); c.4465A>G, p.Ser1489Gly (NM_001306131.2, NM_001306132.2, NM_001365518.2 and 7 more transcripts); c.4738A>G (NM_212482.1); short protein forms S1489G, S1580G.
Identifiers: ClinVar variation 3585465 (VCV003585465.4).

ClinVar aggregate classification (germline): Uncertain significance. Review status: criteria provided, multiple submitters, no conflicts (2 of 4 stars). 3 submissions from 3 submitters: Uncertain significance (3). Last evaluated 2025-02-20.

Conditions:
Glomerulopathy with fibronectin deposits 2 (GFND2). Identifiers: Orphanet 84090, MedGen C1866075, MONDO:0011165, OMIM 601894.
Spondylometaphyseal dysplasia - Sutcliffe type. Also called: Sutcliffe type of spondylometaphyseal dysplasia; Sutcliffe SMD; Spondylometaphyseal dysplasia, 'corner fracture' type; Spondylometaphyseal Dysplasia, Corner Fracture Type. Identifiers: Orphanet 93315, MedGen C0432221, MONDO:0008479, OMIM 184255.
Inborn genetic diseases. Identifiers: MedGen C0950123, MeSH D030342.

gnomAD v4.1: 2 of 1,614,174 alleles (0.00012%); highest among the groups gnomAD compares: African/African-American, 0.0027%; no homozygotes.

Submissions (3):

Labcorp Genetics (formerly Invitae), Labcorp
Classification: Uncertain significance. Last evaluated: 2025-02-20. Review status: criteria provided, single submitter. Criteria: Invitae Variant Classification Sherloc (09022015). Collection method: clinical testing. Allele origin: germline.
Comment: This sequence change replaces serine, which is neutral and polar, with glycine, which is neutral and non-polar, at codon 1580 of the FN1 protein (p.Ser1580Gly). This variant is not present in population databases (gnomAD no frequency). This variant has not been reported in the literature in individuals affected with FN1-related conditions. ClinVar contains an entry for this variant (Variation ID: 3585465). An algorithm developed to predict the effect of missense changes on protein structure and function (PolyPhen-2) suggests that this variant is likely to be tolerated. In summary, the available evidence is currently insufficient to determine the role of this variant in disease. Therefore, it has been classified as a Variant of Uncertain Significance.

Ambry Genetics
Classification: Uncertain significance for Inborn genetic diseases. Last evaluated: 2025-01-17. Review status: criteria provided, single submitter. Criteria: Ambry Variant Classification Scheme 2023. Collection method: clinical testing. Allele origin: germline.

Fulgent Genetics
Classification: Uncertain significance for Spondylometaphyseal dysplasia - Sutcliffe type; Glomerulopathy with fibronectin deposits 2. Last evaluated: 2024-05-10. Review status: criteria provided, single submitter. Criteria: ACMG Guidelines, 2015. Collection method: clinical testing. Allele origin: germline.